The following is an entry in ClinVar:

NM_015046.7(SETX):c.2295C>A (p.Phe765Leu)

Gene: SETX (senataxin; minus strand). Cytogenetic location: 9q34.13.
Variant type: single nucleotide variant.
Coding change: c.2295C>A on transcript NM_015046.7 (MANE Select); coding-DNA position 2295, C replaced by A.
Protein change: p.Phe765Leu; replaces phenylalanine 765 with leucine.
Molecular consequence: missense variant.
Genome position (GRCh38, 1-based): chr9:132,329,303, G>T on the plus strand (C>A on the coding strand, the complement: SETX is on the minus strand). VCF-style: chr9-132329303-G-T. GRCh37 (hg19) VCF-style: chr9-135204690-G-T.
Other names: c.2295C>A, p.Phe765Leu (NM_001351527.2, NM_001351528.2); short protein forms F765L.
Identifiers: ClinVar variation 365366 (VCV000365366.9), dbSNP rs771954896, ClinGen allele CA5297624.

ClinVar aggregate classification (germline): Conflicting classifications of pathogenicity. Review status: criteria provided, conflicting classifications (1 of 4 stars). 5 submissions from 4 submitters: Uncertain significance (4); Likely benign (1). Last evaluated 2026-05-07.

Conditions:
Amyotrophic lateral sclerosis type 4 (ALS4). Also called: NEURONOPATHY, DISTAL HEREDITARY MOTOR, WITH PYRAMIDAL FEATURES; AMYOTROPHIC LATERAL SCLEROSIS 4, JUVENILE. Identifiers: Orphanet 357043, MedGen C1865409, MONDO:0011223, OMIM 602433.
Spinocerebellar ataxia, autosomal recessive, with axonal neuropathy 2 (SCAN2). Also called: ATAXIA-OCULOMOTOR APRAXIA 2; Ataxia with Oculomotor Apraxia; Ataxia with Oculomotor Apraxia Type 2; Ataxia-ocular apraxia-2. Identifiers: Orphanet 64753, MedGen C1853761, MONDO:0018996, OMIM 606002.

Allele frequency attached by ClinVar (database versions not stated): ExAC 0.00002; gnomAD exomes 0.00001.
gnomAD v4.1: 17 of 1,613,810 alleles (0.0011%); highest among the groups gnomAD compares: Non-Finnish European, 0.0014%; no homozygotes.

Submissions (5):

Women's Health and Genetics/Laboratory Corporation of America, LabCorp
Classification: Uncertain significance. Last evaluated: 2026-05-07. Review status: criteria provided, single submitter. Criteria: LabCorp Variant Classification Summary - May 2015. Collection method: clinical testing. Allele origin: germline.
Comment: Variant summary: SETX c.2295C>A (p.Phe765Leu) results in a non-conservative amino acid change in the encoded protein sequence. Algorithms developed to predict the effect of missense changes on protein structure and function are either unavailable or do not agree on the potential impact of this missense change. The variant allele was found at a frequency of 8e-06 in 250866 control chromosomes. The available data on variant occurrences in the general population are insufficient to allow any conclusion about variant significance. To our knowledge, no occurrence of c.2295C>A in individuals affected with SETX-related conditions and no experimental evidence demonstrating its impact on protein function have been reported. ClinVar contains an entry for this variant (Variation ID: 365366). Based on the evidence outlined above, the variant was classified as uncertain significance.

Labcorp Genetics (formerly Invitae), Labcorp
Classification: Likely benign for Amyotrophic lateral sclerosis type 4; Spinocerebellar ataxia, autosomal recessive, with axonal neuropathy 2. Last evaluated: 2024-03-26. Review status: criteria provided, single submitter. Criteria: Invitae Variant Classification Sherloc (09022015). Collection method: clinical testing. Allele origin: germline.

Illumina Laboratory Services, Illumina
Classification: Uncertain significance for Amyotrophic lateral sclerosis type 4. Last evaluated: 2018-01-13. Review status: criteria provided, single submitter. Criteria: ICSL Variant Classification Criteria 13 December 2019. Collection method: clinical testing. Allele origin: germline.

Illumina Laboratory Services, Illumina
Classification: Uncertain significance for Spinocerebellar ataxia, autosomal recessive, with axonal neuropathy 2. Last evaluated: 2018-01-13. Review status: criteria provided, single submitter. Criteria: ICSL Variant Classification Criteria 13 December 2019. Collection method: clinical testing. Allele origin: germline.

Breakthrough Genomics
Classification: Uncertain significance. Review status: criteria provided, single submitter. Criteria: ACMG Guidelines, 2015. Collection method: not provided. Allele origin: germline. Inheritance: Autosomal recessive inheritance. Affected: yes.